The following is an entry in ClinVar:

ClinVar aggregate classification (germline): Uncertain significance (1 of 4 stars; one submission).

Conditions:
Muscular dystrophy-dystroglycanopathy (congenital with impaired intellectual development), type B, 14. Also called: Muscular dystrophy-dystroglycanopathy (congenital with intellectual disability), type B14; MUSCULAR DYSTROPHY, CONGENITAL, GMPPB-RELATED; Congenital muscular dystrophy-dystroglycanopathy with mental retardation, type B14. Identifiers: MedGen C3809221, MONDO:0014141, OMIM 615351.
Muscular dystrophy-dystroglycanopathy (congenital with brain and eye anomalies), type A14. Also called: WALKER-WARBURG SYNDROME OR MUSCLE-EYE-BRAIN DISEASE, GMPPB-RELATED; Muscular dystrophy-dystroglycanopathy (congenital with brain and eye anomalies), type a, 14; Congenital Muscular Dystrophy-Dystroglycanopathy with Brain and Eye Anomalies Type A 14; Congenital muscular dystrophy-dystroglycanopathy with brain and eye anomalies, type A14. Identifiers: Orphanet 588, MedGen C3809216, MONDO:0014140, OMIM 615350.
Autosomal recessive limb-girdle muscular dystrophy type 2T. Also called: MUSCULAR DYSTROPHY-DYSTROGLYCANOPATHY, LIMB-GIRDLE, GMPPB-RELATED; MUSCULAR DYSTROPHY, LIMB-GIRDLE, TYPE 2T; Muscular dystrophy-dystroglycanopathy (limb-girdle), type c, 14; Limb-girdle muscular dystrophy-dystroglycanopathy, type C14. Identifiers: Orphanet 363623, MedGen C4518000, MONDO:0014142, OMIM 615352.

Allele frequency attached by ClinVar (database versions not stated): gnomAD exomes below 0.00001; ExAC 0.00001.

Submission:

Labcorp Genetics (formerly Invitae), Labcorp
Classification: Uncertain significance for Autosomal recessive limb-girdle muscular dystrophy type 2T; Muscular dystrophy-dystroglycanopathy (congenital with brain and eye anomalies), type A14; Muscular dystrophy-dystroglycanopathy (congenital with impaired intellectual development), type B, 14. Last evaluated: 2022-03-29. Review status: criteria provided, single submitter. Criteria: Invitae Variant Classification Sherloc (09022015). Collection method: clinical testing. Allele origin: germline.
Comment: Advanced modeling of protein sequence and biophysical properties (such as structural, functional, and spatial information, amino acid conservation, physicochemical variation, residue mobility, and thermodynamic stability) performed at Invitae indicates that this missense variant is not expected to disrupt GMPPB protein function. In summary, the available evidence is currently insufficient to determine the role of this variant in disease. Therefore, it has been classified as a Variant of Uncertain Significance. This variant has not been reported in the literature in individuals affected with GMPPB-related conditions. The frequency data for this variant in the population databases is considered unreliable, as metrics indicate poor data quality at this position in the gnomAD database. This sequence change replaces methionine, which is neutral and non-polar, with threonine, which is neutral and polar, at codon 175 of the GMPPB protein (p.Met175Thr).

NM_021971.4(GMPPB):c.524T>C (p.Met175Thr)

Gene: GMPPB (GDP-mannose pyrophosphorylase B; minus strand). Cytogenetic location: 3p21.31.
Variant type: single nucleotide variant.
Coding change: c.524T>C on transcript NM_021971.4 (MANE Select); coding-DNA position 524, T replaced by C.
Protein change: p.Met175Thr; replaces methionine 175 with threonine.
Molecular consequence: missense variant.
Genome position (GRCh38, 1-based): chr3:49,722,633, A>G on the plus strand (T>C on the coding strand, the complement: GMPPB is on the minus strand). VCF-style: chr3-49722633-A-G. GRCh37 (hg19) VCF-style: chr3-49760066-A-G.
Other names: c.524T>C, p.Met175Thr (NM_013334.4); short protein forms M175T.
Identifiers: ClinVar variation 2052273 (VCV002052273.4), dbSNP rs775034121, ClinGen allele CA2405534.